The following is an entry in ClinVar:

NM_004408.4(DNM1):c.1587T>A (p.Asn529Lys)

Gene: DNM1 (dynamin 1; plus strand). Cytogenetic location: 9q34.11.
Variant type: single nucleotide variant.
Coding change: c.1587T>A on transcript NM_004408.4 (MANE Select); coding-DNA position 1587, T replaced by A.
Protein change: p.Asn529Lys; replaces asparagine 529 with lysine.
Molecular consequence: missense variant.
Genome position (GRCh38, 1-based): chr9:128,242,261, T>A. VCF-style: chr9-128242261-T-A. GRCh37 (hg19) VCF-style: chr9-131004540-T-A.
Other names: c.1587T>A, p.Asn529Lys (NM_001005336.3, NM_001288737.2, NM_001288738.2 and 2 more transcripts); short protein forms N529K.
Identifiers: ClinVar variation 2572837 (VCV002572837.2), dbSNP rs2539074021, ClinGen allele CA375025789.

ClinVar aggregate classification (germline): Uncertain significance (1 of 4 stars; one submission).

Submission:

GeneDx
Classification: Uncertain significance. Last evaluated: 2024-01-09. Review status: criteria provided, single submitter. Criteria: GeneDx Variant Classification Process June 2021. Collection method: clinical testing. Allele origin: germline. Affected: yes.
Comment: Not observed at significant frequency in large population cohorts (gnomAD); In silico analysis supports that this missense variant does not alter protein structure/function; Has not been previously published as pathogenic or benign to our knowledge